The following is an entry in ClinVar:

NM_006118.4(HAX1):c.761A>T (p.Glu254Val)

Gene: HAX1 (HCLS1 associated protein X-1; plus strand). Cytogenetic location: 1q21.3.
Variant type: single nucleotide variant.
Coding change: c.761A>T on transcript NM_006118.4 (MANE Select); coding-DNA position 761, A replaced by T.
Protein change: p.Glu254Val; replaces glutamic acid 254 with valine.
Molecular consequence: missense variant.
Genome position (GRCh38, 1-based): chr1:154,275,622, A>T. VCF-style: chr1-154275622-A-T. GRCh37 (hg19) VCF-style: chr1-154248098-A-T.
Other names: c.617A>T, p.Glu206Val (NM_001018837.2); short protein forms E254V, E206V.
Identifiers: ClinVar variation 5022592 (VCV005022592.1).

ClinVar aggregate classification (germline): Uncertain significance (1 of 4 stars; one submission).

Conditions:
Inborn genetic diseases. Identifiers: MedGen C0950123, MeSH D030342.

Submission:

Ambry Genetics
Classification: Uncertain significance for Inborn genetic diseases. Last evaluated: 2026-08-31. Review status: criteria provided, single submitter. Criteria: Ambry Variant Classification Scheme 2023. Collection method: clinical testing. Allele origin: germline.
Comment: The p.E254V variant (also known as c.761A>T), located in coding exon 7 of the HAX1 gene, results from an A to T substitution at nucleotide position 761. The glutamic acid at codon 254 is replaced by valine, an amino acid with dissimilar properties. This amino acid position is conserved. In addition, this alteration is predicted to be tolerated by in silico analysis. Based on the available evidence, the clinical significance of this variant remains unclear.